The following is an entry in ClinVar:

NM_001278716.2(FBXL4):c.1012G>T (p.Glu338Ter)

Gene: FBXL4 (F-box and leucine rich repeat protein 4; minus strand). Cytogenetic location: 6q16.2.
Variant type: single nucleotide variant.
Coding change: c.1012G>T on transcript NM_001278716.2 (MANE Select); coding-DNA position 1012, G replaced by T.
Protein change: p.Glu338Ter; replaces glutamic acid 338 with a stop codon.
Molecular consequence: nonsense. On other transcripts: non-coding transcript variant (2).
Genome position (GRCh38, 1-based): chr6:98,905,517, C>A on the plus strand (G>T on the coding strand, the complement: FBXL4 is on the minus strand). VCF-style: chr6-98905517-C-A. GRCh37 (hg19) VCF-style: chr6-99353393-C-A.
Other names: c.1012G>T, p.Glu338Ter (NM_012160.5); short protein forms E338*.
Identifiers: ClinVar variation 666968 (VCV000666968.4), dbSNP rs1582402094, ClinGen allele CA365096018.
Genomic context (GRCh38, chr6:98,905,517, plus strand): 5'-TATTGCCAGTCCAAGATAAATTAAGCCACTGGACAAGAGTGCAGCGAGACTGTAGAAATT[C>A]CAGAGAAGTGTCATCTAGTTTTGCCCAGTATGGTTGCAGATTGAGGTGGATGTATTGCAG-3'

ClinVar aggregate classification (germline): Likely pathogenic (1 of 4 stars; one submission).

Conditions:
Mitochondrial DNA depletion syndrome. Also called: mitochondrial DNA depletion. Identifiers: Orphanet 35698, MedGen C0342782, MONDO:0018158.

Allele frequency attached by ClinVar (database versions not stated): gnomAD exomes below 0.00001.
gnomAD v4.1: 1 of 1,613,950 alleles (0.000062%); highest among the groups gnomAD compares: Non-Finnish European, 0.000085%; no homozygotes.

Submission:

Laboratory for Molecular Medicine, Mass General Brigham Personalized Medicine
Classification: Likely pathogenic for Mitochondrial DNA depletion syndrome. Last evaluated: 2016-11-10. Review status: criteria provided, single submitter. Criteria: LMM Criteria. Collection method: clinical testing. Allele origin: germline. Inheritance: Autosomal recessive inheritance. Observed: 1 variant allele.
Comment: The p.Glu338X variant in FBXL4 has not been reported in individuals with disease and was absent from large population studies. This nonsense variant leads to a premature termination codon at position 338, which is predicted to lead to a tru ncated or absent protein. Biallelic loss of function of the FBXL4 gene has been associated with mitochondrial DNA depletion syndrome 13. In summary, although ad ditional studies are required to fully establish a null effect on the protein, t he p.Glu338X variant in FBXL4 is likely pathogenic for mitochondrial DNA depleti on syndrome 13 in an autosomal recessive manner based upon a predicted null effe ct.